The following is an entry in ClinVar:

NM_000257.4(MYH7):c.502+2T>C

Gene: MYH7 (myosin heavy chain 7; minus strand). Cytogenetic location: 14q11.2.
Variant type: single nucleotide variant.
Coding change: c.502+2T>C on transcript NM_000257.4 (MANE Select); the canonical splice donor site of the intron after coding-DNA position 502, T replaced by C.
Molecular consequence: splice donor variant.
Genome position (GRCh38, 1-based): chr14:23,432,637, A>G on the plus strand (T>C on the coding strand, the complement: MYH7 is on the minus strand). VCF-style: chr14-23432637-A-G. GRCh37 (hg19) VCF-style: chr14-23901846-A-G.
Other names: c.502+2T>C (NM_001407004.1).
Identifiers: ClinVar variation 3230914 (VCV003230914.1), dbSNP rs2502317423, ClinGen allele CA389052680.
Genomic context (GRCh38, chr14:23,432,637, plus strand): 5'-TCTCCCTCTCCCTCCCGGCCTATCCCAGTTCCCTTCAGGAAGACCCTTCCAGGGCCTCTC[A>G]CCTGTCAGCATGTACTGATAGGCGTTGTCGGAGATGGAGAAGATGTGGGGCGGGGCCTCG-3'

ClinVar aggregate classification (germline): Uncertain significance (1 of 4 stars; one submission).

Conditions:
Cardiovascular phenotype. Identifiers: MedGen CN230736.

Submission:

Ambry Genetics
Classification: Uncertain significance for Cardiovascular phenotype. Last evaluated: 2024-01-12. Review status: criteria provided, single submitter. Criteria: Ambry Variant Classification Scheme 2023. Collection method: clinical testing. Allele origin: germline.
Comment: The c.502+2T>C intronic variant results from a T to C substitution two nucleotides after coding exon 3 in the MYH7 gene. This nucleotide position is highly conserved in available vertebrate species. In silico splice site analysis predicts that this alteration may result in the creation or strengthening of a novel splice donor site. Alterations that disrupt the canonical splice site are expected to cause aberrant splicing, resulting in an abnormal protein or a transcript that is subject to nonsense-mediated mRNA decay. However, loss of function of MYH7 has not been established as a mechanism of disease. Since supporting evidence is limited at this time, the clinical significance of this alteration remains unclear.